The following is an entry in ClinVar:

NM_014423.4(AFF4):c.1616G>T (p.Gly539Val)

Gene: AFF4 (ALF transcription elongation factor 4; minus strand). Cytogenetic location: 5q31.1.
Variant type: single nucleotide variant.
Coding change: c.1616G>T on transcript NM_014423.4 (MANE Select); coding-DNA position 1616, G replaced by T.
Protein change: p.Gly539Val; replaces glycine 539 with valine.
Molecular consequence: missense variant.
Genome position (GRCh38, 1-based): chr5:132,897,014, C>A on the plus strand (G>T on the coding strand, the complement: AFF4 is on the minus strand). VCF-style: chr5-132897014-C-A. GRCh37 (hg19) VCF-style: chr5-132232706-C-A.
Other names: short protein forms G539V.
Identifiers: ClinVar variation 3346641 (VCV003346641.1).

ClinVar aggregate classification (germline): Uncertain significance (0 of 4 stars; one submission).

Conditions:
AFF4-related disorder. Also called: AFF4-related condition.

Submission:

PreventionGenetics, part of Exact Sciences
Classification: Uncertain significance for AFF4-related condition. Last evaluated: 2024-07-29. Review status: no assertion criteria provided. Collection method: clinical testing. Allele origin: germline.
Comment: The AFF4 c.1616G>T variant is predicted to result in the amino acid substitution p.Gly539Val. To our knowledge, this variant has not been reported in the literature or in a large population database, indicating this variant is rare. At this time, the clinical significance of this variant is uncertain due to the absence of conclusive functional and genetic evidence.